The following is an entry in ClinVar:

NM_014855.3(AP5Z1):c.1010G>A (p.Arg337Gln)

Gene: AP5Z1 (adaptor related protein complex 5 subunit zeta 1; plus strand). Cytogenetic location: 7p22.1.
Variant type: single nucleotide variant.
Coding change: c.1010G>A on transcript NM_014855.3 (MANE Select); coding-DNA position 1010, G replaced by A.
Protein change: p.Arg337Gln; replaces arginine 337 with glutamine.
Molecular consequence: missense variant. On other transcripts: non-coding transcript variant (1).
Genome position (GRCh38, 1-based): chr7:4,785,562, G>A. VCF-style: chr7-4785562-G-A. GRCh37 (hg19) VCF-style: chr7-4825193-G-A.
Other names: c.1010G>A, p.Arg337Gln (LRG_1247t1); c.542G>A, p.Arg181Gln (NM_001364858.1); short protein forms R181Q, R337Q.
Identifiers: ClinVar variation 639973 (VCV000639973.14), dbSNP rs549733205, ClinGen allele CA4137562.
Genomic context (GRCh38, chr7:4,785,562, plus strand): 5'-ATGTGGTCCATGTCCCGCAGTGCCTGGTGGAGGCCGTGCTGGTGCTGGACGTGCTGTGCC[G>A]GCAGGACCCGTCCTTCCTGTACCGAAGTCTCTCCTGCCTGAAGGCCCTGCACGGGCGGGT-3'
Protein context (NP_055670.1, residues 327-347): EAVLVLDVLC[Arg337Gln]QDPSFLYRSL

ClinVar aggregate classification (germline): Uncertain significance. Review status: criteria provided, multiple submitters, no conflicts (2 of 4 stars). 2 submissions from 2 submitters: Uncertain significance (2). Last evaluated 2023-08-10.

Conditions:
Hereditary spastic paraplegia 48. Also called: SPASTIC PARAPLEGIA 48, AUTOSOMAL RECESSIVE; Spastic paraplegia 48. Identifiers: Orphanet 306511, MedGen C3150901, MONDO:0013342, OMIM 613647.

Allele frequency attached by ClinVar (database versions not stated): gnomAD 0.00001 and 0.00002; TOPMed 0.00002; gnomAD exomes 0.00005; 1000 Genomes Project 30x 0.00031.
gnomAD v4.1: 72 of 1,610,518 alleles (0.0045%); highest among the groups gnomAD compares: South Asian, 0.044%; no homozygotes.

Submissions (2):

Labcorp Genetics (formerly Invitae), Labcorp
Classification: Uncertain significance for Hereditary spastic paraplegia 48. Last evaluated: 2023-08-10. Review status: criteria provided, single submitter. Criteria: Invitae Variant Classification Sherloc (09022015). Collection method: clinical testing. Allele origin: germline.
Comment: Advanced modeling of protein sequence and biophysical properties (such as structural, functional, and spatial information, amino acid conservation, physicochemical variation, residue mobility, and thermodynamic stability) performed at Invitae indicates that this missense variant is not expected to disrupt AP5Z1 protein function. In summary, the available evidence is currently insufficient to determine the role of this variant in disease. Therefore, it has been classified as a Variant of Uncertain Significance. This sequence change replaces arginine, which is basic and polar, with glutamine, which is neutral and polar, at codon 337 of the AP5Z1 protein (p.Arg337Gln). This variant is present in population databases (rs549733205, gnomAD 0.04%). This variant has not been reported in the literature in individuals affected with AP5Z1-related conditions. ClinVar contains an entry for this variant (Variation ID: 639973).

Mayo Clinic Laboratories, Mayo Clinic
Classification: Uncertain significance. Last evaluated: 2020-04-15. Review status: criteria provided, single submitter. Criteria: ACMG Guidelines, 2015. Collection method: clinical testing. Allele origin: germline. Observed: 1 variant allele.